The following is an entry in ClinVar:

NM_007194.4(CHEK2):c.5C>T (p.Ser2Phe)

Gene: CHEK2 (checkpoint kinase 2; minus strand). Cytogenetic location: 22q12.1.
Variant type: single nucleotide variant.
Coding change: c.5C>T on transcript NM_007194.4 (MANE Select); coding-DNA position 5, C replaced by T.
Protein change: p.Ser2Phe; replaces serine 2 with phenylalanine.
Molecular consequence: missense variant.
Genome position (GRCh38, 1-based): chr22:28,734,717, G>A on the plus strand (C>T on the coding strand, the complement: CHEK2 is on the minus strand). VCF-style: chr22-28734717-G-A. GRCh37 (hg19) VCF-style: chr22-29130705-G-A.
Other names: c.5C>T, p.Ser2Phe (NM_001005735.3, NM_001349956.3, NM_145862.3); c.-773C>T (NM_001257387.3); short protein forms S2F.
Identifiers: ClinVar variation 826114 (VCV000826114.8), dbSNP rs1417811260, ClinGen allele CA411092158.
Genomic context (GRCh38, chr22:28,734,717, plus strand): 5'-TGGGGCTGTGAACAGGCACTGCTGCCATGAGACTGCTGAGCCTCAACATCCGACTCCCGA[G>A]ACATCACGACCTCAAAAAGAAAGTGTCCAACAACAAAGGTGAGTTTCAAGGCACAAGACT-3'
Protein context (NP_009125.1, residues 1-12): M[Ser2Phe]RESDVEAQQS

ClinVar aggregate classification (germline): Uncertain significance. Review status: criteria provided, multiple submitters, no conflicts (2 of 4 stars). 2 submissions from 2 submitters: Uncertain significance (2). Last evaluated 2023-07-03.

Conditions:
Hereditary cancer-predisposing syndrome. Also called: Neoplastic Syndromes, Hereditary; Tumor predisposition; Hereditary neoplastic syndrome; Hereditary Cancer Syndrome. Identifiers: Orphanet 140162, MedGen C0027672, MeSH D009386, MONDO:0015356.

Allele frequency attached by ClinVar (database versions not stated): gnomAD exomes below 0.00001; TOPMed below 0.00001; gnomAD 0.00001.
gnomAD v4.1: 2 of 1,612,608 alleles (0.00012%); highest among the groups gnomAD compares: East Asian, 0.0022%; no homozygotes.

Submissions (2):

Ambry Genetics
Classification: Uncertain significance for Hereditary cancer-predisposing syndrome. Last evaluated: 2023-07-03. Review status: criteria provided, single submitter. Criteria: Ambry Variant Classification Scheme 2023. Collection method: clinical testing. Allele origin: germline.
Comment: The p.S2F variant (also known as c.5C>T), located in coding exon 1 of the CHEK2 gene, results from a C to T substitution at nucleotide position 5. The serine at codon 2 is replaced by phenylalanine, an amino acid with highly dissimilar properties. This amino acid position is highly conserved in available vertebrate species. In addition, this alteration is predicted to be deleterious by in silico analysis. Since supporting evidence is limited at this time, the clinical significance of this alteration remains unclear.

GeneDx
Classification: Uncertain significance. Last evaluated: 2022-08-03. Review status: criteria provided, single submitter. Criteria: GeneDx Variant Classification Process June 2021. Collection method: clinical testing. Allele origin: germline. Affected: yes.
Comment: Not observed at significant frequency in large population cohorts (gnomAD); In silico analysis supports that this missense variant does not alter protein structure/function; Has not been previously published as pathogenic or benign to our knowledge